The following is an entry in ClinVar:

NM_000059.4(BRCA2):c.3709G>C (p.Ala1237Pro)

Gene: BRCA2 (BRCA2 DNA repair associated; plus strand). Cytogenetic location: 13q13.1.
Variant type: single nucleotide variant.
Coding change: c.3709G>C on transcript NM_000059.4 (MANE Select); coding-DNA position 3709, G replaced by C.
Protein change: p.Ala1237Pro; replaces alanine 1237 with proline.
Molecular consequence: missense variant.
Genome position (GRCh38, 1-based): chr13:32,338,064, G>C. VCF-style: chr13-32338064-G-C. GRCh37 (hg19) VCF-style: chr13-32912201-G-C.
Other names: 3937G>C; short protein forms A1237P.
Identifiers: ClinVar variation 91806 (VCV000091806.35), dbSNP rs398122770, ClinGen allele CA018619.

ClinVar aggregate classification (germline): Conflicting classifications of pathogenicity. Review status: criteria provided, conflicting classifications (1 of 4 stars). 11 submissions from 11 submitters: Uncertain significance (8); Likely benign (2). 1 of the submissions does not count toward it. Last evaluated 2026-04-10.

Conditions:
Hereditary cancer-predisposing syndrome. Also called: Hereditary neoplastic syndrome; Neoplastic Syndromes, Hereditary; Hereditary Cancer Syndrome; Tumor predisposition. Identifiers: Orphanet 140162, MedGen C0027672, MeSH D009386, MONDO:0015356.
Hereditary breast ovarian cancer syndrome. Also called: Hereditary breast and ovarian cancer syndrome (HBOC); Breast and ovarian cancer; Hereditary breast and ovarian cancer syndrome; BRCA1- and BRCA2-Associated Hereditary Breast and Ovarian Cancer; Hereditary breast and/or ovarian cancer syndrome; Hereditary breast and ovarian cancer. Identifiers: Orphanet 145, MedGen C0677776, MeSH D061325, MONDO:0003582. Disease mechanism: loss of function.
Breast-ovarian cancer, familial, susceptibility to, 2 (BROVCA2). Also called: BRCA2 Hereditary Breast and Ovarian Cancer. Identifiers: Orphanet 145, MedGen C2675520, MONDO:0012933, OMIM 612555. Disease mechanism: loss of function.

Allele frequency attached by ClinVar (database versions not stated): gnomAD exomes below 0.00001 and 0.00001; TOPMed below 0.00001; gnomAD 0.00001.
gnomAD v4.1: 16 of 1,611,622 alleles (0.00099%); highest among the groups gnomAD compares: Non-Finnish European, 0.0014%; no homozygotes.

Submissions (11):

Women's Health and Genetics/Laboratory Corporation of America, LabCorp
Classification: Uncertain significance. Last evaluated: 2026-04-10. Review status: criteria provided, single submitter. Criteria: LabCorp Variant Classification Summary - May 2015. Collection method: clinical testing. Allele origin: germline.
Comment: Variant summary: BRCA2 c.3709G>C (p.Ala1237Pro) results in a non-conservative amino acid change in the encoded protein sequence. Algorithms developed to predict the effect of missense changes on protein structure and function are either unavailable or do not agree on the potential impact of this missense change. The variant allele was found at a frequency of 4e-06 in 249188 control chromosomes (gnomAD). The available data on variant occurrences in the general population are insufficient to allow any conclusion about variant significance. c.3709G>C has been observed in an individual(s) affected with breast cancer. This report does not provide unequivocal conclusions about association of the variant with Hereditary Breast And Ovarian Cancer Syndrome. To our knowledge, no experimental evidence demonstrating an impact on protein function has been reported. The following publication has been ascertained in the context of this evaluation (PMID: 39590369). ClinVar contains an entry for this variant (Variation ID: 91806). Based on the evidence outlined above, the variant was classified as uncertain significance.

Quest Diagnostics Nichols Institute San Juan Capistrano
Classification: Uncertain significance. Last evaluated: 2025-02-22. Review status: criteria provided, single submitter. Criteria: Quest Diagnostics criteria. Collection method: clinical testing. Allele origin: unknown.
Comment: The BRCA2 c.3709G>C (p.Ala1237Pro) variant has been reported in the published literature in individuals with breast cancer (PMID: 38709234 (2024), 39062721 (2024)). In a large scale breast cancer association study, this variant has been observed in a breast cancer case and a reportedly healthy individual (PMID: 33471991 (2021), see also LOVD). This variant has also been reported to be located in a region of the BRCA2 gene that is tolerant to missense sequence changes (PMID: 31911673 (2020)). The frequency of this variant in the general population (Genome Aggregation Database) is uninformative in the assessment of its pathogenicity. Analysis of this variant using bioinformatics tools for the prediction of the effect of amino acid changes on protein structure and function yielded predictions that this variant is benign. Based on the available information, we are unable to determine the clinical significance of this variant.

Labcorp Genetics (formerly Invitae), Labcorp
Classification: Uncertain significance for Hereditary breast ovarian cancer syndrome. Last evaluated: 2025-01-26. Review status: criteria provided, single submitter. Criteria: Invitae Variant Classification Sherloc (09022015). Collection method: clinical testing. Allele origin: germline.
Comment: This sequence change replaces alanine, which is neutral and non-polar, with proline, which is neutral and non-polar, at codon 1237 of the BRCA2 protein (p.Ala1237Pro). This variant is not present in population databases (gnomAD no frequency). This variant has not been reported in the literature in individuals affected with BRCA2-related conditions. ClinVar contains an entry for this variant (Variation ID: 91806). Invitae Evidence Modeling of protein sequence and biophysical properties (such as structural, functional, and spatial information, amino acid conservation, physicochemical variation, residue mobility, and thermodynamic stability) indicates that this missense variant is not expected to disrupt BRCA2 protein function with a negative predictive value of 95%. In summary, the available evidence is currently insufficient to determine the role of this variant in disease. Therefore, it has been classified as a Variant of Uncertain Significance.

ARUP Laboratories, Molecular Genetics and Genomics, ARUP Laboratories
Classification: Likely benign. Last evaluated: 2024-10-15. Review status: criteria provided, single submitter. Criteria: ARUP Molecular Germline Variant Investigation Process 2024. Collection method: clinical testing. Allele origin: germline.

GeneDx
Classification: Uncertain significance. Last evaluated: 2024-01-22. Review status: criteria provided, single submitter. Criteria: GeneDx Variant Classification Process June 2021. Collection method: clinical testing. Allele origin: germline. Affected: yes.
Comment: Not observed at significant frequency in large population cohorts (gnomAD); In silico analysis supports that this missense variant has a deleterious effect on protein structure/function; Has not been previously published as pathogenic or benign to our knowledge; Also known as 3937G>C; This variant is associated with the following publications: (PMID: 32377563, 29884841, 9002670, 22193408)

Ambry Genetics
Classification: Uncertain significance for Hereditary cancer-predisposing syndrome. Last evaluated: 2024-01-17. Review status: criteria provided, single submitter. Criteria: Ambry Variant Classification Scheme 2023. Collection method: clinical testing. Allele origin: germline.
Comment: The p.A1237P variant (also known as c.3709G>C), located in coding exon 10 of the BRCA2 gene, results from a G to C substitution at nucleotide position 3709. The alanine at codon 1237 is replaced by proline, an amino acid with highly similar properties. This amino acid position is well conserved in available vertebrate species. In addition, the in silico prediction for this alteration is inconclusive. Since supporting evidence is limited at this time, the clinical significance of this alteration remains unclear.

Color Diagnostics, LLC DBA Color Health
Classification: Uncertain significance for Hereditary cancer-predisposing syndrome. Last evaluated: 2023-11-07. Review status: criteria provided, single submitter. Criteria: ACMG Guidelines, 2015. Collection method: clinical testing. Allele origin: germline.
Comment: This missense variant replaces alanine with proline at codon 1237 of the BRCA2 protein. Computational prediction is inconclusive regarding the impact of this variant on protein structure and function (internally defined REVEL score threshold 0.5 < inconclusive < 0.7, PMID: 27666373). To our knowledge, functional studies have not been reported for this variant. In a large breast cancer case-control meta analysis conducted by the BRIDGES consortium, this variant was reported in 1/60466 cases and 1/53461 unaffected controls (PMID: 33471991; Leiden Open Variation Database DB-ID BRCA2_007346). This variant has been identified in 1/249188 chromosomes in the general population by the Genome Aggregation Database (gnomAD). The available evidence is insufficient to determine the role of this variant in disease conclusively. Therefore, this variant is classified as a Variant of Uncertain Significance.

All of Us Research Program, National Institutes of Health
Classification: Uncertain significance for Breast-ovarian cancer, familial, susceptibility to, 2. Last evaluated: 2023-06-28. Review status: criteria provided, single submitter. Criteria: ACMG Guidelines, 2015. Collection method: clinical testing. Allele origin: germline. Inheritance: Autosomal dominant inheritance. Observed: 2 variant alleles, 2 heterozygotes.
Comment: This missense variant replaces alanine with proline at codon 1237 of the BRCA2 protein. Computational prediction is inconclusive regarding the impact of this variant on protein structure and function (internally defined REVEL score threshold 0.5 < inconclusive < 0.7, PMID: 27666373). To our knowledge, functional studies have not been reported for this variant. This variant has not been reported in individuals affected with hereditary cancer in the literature. This variant has been identified in 1/249188 chromosomes in the general population by the Genome Aggregation Database (gnomAD). The available evidence is insufficient to determine the role of this variant in disease conclusively. Therefore, this variant is classified as a Variant of Uncertain Significance.

This study involves interpretation of variants in research participants for the purpose of population health screening. Participant phenotype was not available at the time of variant classification. Additional details can be found in publication PMID: 35346344, PMCID: PMC8962531

University of Washington Department of Laboratory Medicine, University of Washington
Classification: Likely benign for Hereditary cancer-predisposing syndrome. Last evaluated: 2023-03-23. Review status: criteria provided, single submitter. Criteria: Dines et al. (Genet Med. 2020). Collection method: curation. Allele origin: germline.
Comment: Missense variant in a coldspot region where missense variants are very unlikely to be pathogenic (PMID:31911673).

BRCA2 exon 11 coldspot. Reclassification based on statistical prior probability.

Genetic Services Laboratory, University of Chicago
Classification: Uncertain significance. Last evaluated: 2018-05-23. Review status: criteria provided, single submitter. Criteria: ACMG Guidelines, 2015. Collection method: clinical testing. Allele origin: germline. Affected: no.

Sharing Clinical Reports Project (SCRP)
Classification: Uncertain significance for Breast-ovarian cancer, familial 2. Last evaluated: 2012-01-24. Review status: no assertion criteria provided. Collection method: clinical testing. Allele origin: germline. Not counted in ClinVar's aggregate classification.

Literature cited by the submitters: PubMed 39590369 (cited by Women's Health and Genetics/Laboratory Corporation of America, LabCorp); PubMed 31911673 (cited by Quest Diagnostics Nichols Institute San Juan Capistrano); PubMed 33471991 (cited by Quest Diagnostics Nichols Institute San Juan Capistrano and Color Diagnostics, LLC DBA Color Health); PubMed 39062721 (cited by Quest Diagnostics Nichols Institute San Juan Capistrano); PubMed 38709234 (cited by Quest Diagnostics Nichols Institute San Juan Capistrano).